The following is an entry in ClinVar:

ClinVar aggregate classification (germline): Uncertain significance (1 of 4 stars; one submission).

Submission:

Labcorp Genetics (formerly Invitae), Labcorp
Classification: Uncertain significance. Last evaluated: 2024-08-19. Review status: criteria provided, single submitter. Criteria: Invitae Variant Classification Sherloc (09022015). Collection method: clinical testing. Allele origin: germline.
Comment: This sequence change replaces methionine, which is neutral and non-polar, with threonine, which is neutral and polar, at codon 155 of the CLCN4 protein (p.Met155Thr). This variant is not present in population databases (gnomAD no frequency). This variant has not been reported in the literature in individuals affected with CLCN4-related conditions. Invitae Evidence Modeling of protein sequence and biophysical properties (such as structural, functional, and spatial information, amino acid conservation, physicochemical variation, residue mobility, and thermodynamic stability) has been performed for this missense variant. However, the output from this modeling did not meet the statistical confidence thresholds required to predict the impact of this variant on CLCN4 protein function. In summary, the available evidence is currently insufficient to determine the role of this variant in disease. Therefore, it has been classified as a Variant of Uncertain Significance.

NM_001830.4(CLCN4):c.464T>C (p.Met155Thr)

Gene: CLCN4 (chloride voltage-gated channel 4; plus strand). Cytogenetic location: Xp22.2.
Variant type: single nucleotide variant.
Coding change: c.464T>C on transcript NM_001830.4 (MANE Select); coding-DNA position 464, T replaced by C.
Protein change: p.Met155Thr; replaces methionine 155 with threonine.
Molecular consequence: missense variant.
Genome position (GRCh38, 1-based): chrX:10,197,970, T>C. VCF-style: chrX-10197970-T-C. GRCh37 (hg19) VCF-style: chrX-10166010-T-C.
Other names: c.182T>C, p.Met61Thr (NM_001256944.2); short protein forms M155T, M61T.
Identifiers: ClinVar variation 3658878 (VCV003658878.2).